The following is an entry in ClinVar:

NM_183050.4(BCKDHB):c.115G>A (p.Ala39Thr)

Gene: BCKDHB (branched chain keto acid dehydrogenase E1 subunit beta; plus strand). Cytogenetic location: 6q14.1.
Variant type: single nucleotide variant.
Coding change: c.115G>A on transcript NM_183050.4 (MANE Select); coding-DNA position 115, G replaced by A.
Protein change: p.Ala39Thr; replaces alanine 39 with threonine.
Molecular consequence: missense variant. On other transcripts: non-coding transcript variant (1), intron variant (1).
Genome position (GRCh38, 1-based): chr6:80,106,808, G>A. VCF-style: chr6-80106808-G-A. GRCh37 (hg19) VCF-style: chr6-80816525-G-A.
Other names: c.115G>A, p.Ala39Thr (NM_000056.5); c.-15+125G>A (NM_001318975.1); c.115G>A (NM_183050.3); short protein forms A39T.
Identifiers: ClinVar variation 802244 (VCV000802244.4), dbSNP rs914935376, ClinGen allele CA142276835.

ClinVar aggregate classification (germline): Uncertain significance. Review status: criteria provided, multiple submitters, no conflicts (2 of 4 stars). 3 submissions from 3 submitters: Uncertain significance (3). Last evaluated 2024-12-20.

Conditions:
BCKDHB-related disorder. Also called: BCKDHB-related condition.
Maple syrup urine disease (MSUD). Identifiers: Orphanet 511, MedGen C0024776, MeSH D008375, MONDO:0009563. Disease mechanism: loss of function.

Allele frequency attached by ClinVar (database versions not stated): gnomAD 0.00001; TOPMed 0.00001.
gnomAD v4.1: 12 of 1,603,892 alleles (0.00075%); highest among the groups gnomAD compares: Middle Eastern, 0.036%; no homozygotes.

Submissions (3):

PreventionGenetics, part of Exact Sciences
Classification: Uncertain significance for BCKDHB-related condition. Last evaluated: 2024-12-20. Review status: criteria provided, single submitter. Criteria: ACMG Guidelines, 2015. Collection method: clinical testing. Allele origin: germline.
Comment: The BCKDHB c.115G>A variant is predicted to result in the amino acid substitution p.Ala39Thr. To our knowledge, this variant has not been reported in the literature. This variant is reported in 0.0% of alleles in individuals of African descent in gnomAD. At this time, the clinical significance of this variant is uncertain due to the absence of conclusive functional and genetic evidence.

Labcorp Genetics (formerly Invitae), Labcorp
Classification: Uncertain significance for Maple syrup urine disease. Last evaluated: 2022-07-08. Review status: criteria provided, single submitter. Criteria: Invitae Variant Classification Sherloc (09022015). Collection method: clinical testing. Allele origin: germline.
Comment: This sequence change replaces alanine, which is neutral and non-polar, with threonine, which is neutral and polar, at codon 39 of the BCKDHB protein (p.Ala39Thr). This variant is not present in population databases (gnomAD no frequency). This variant has not been reported in the literature in individuals affected with BCKDHB-related conditions. ClinVar contains an entry for this variant (Variation ID: 802244). Algorithms developed to predict the effect of missense changes on protein structure and function output the following: SIFT: "Tolerated"; PolyPhen-2: "Benign"; Align-GVGD: "Class C0". The threonine amino acid residue is found in multiple mammalian species, which suggests that this missense change does not adversely affect protein function. In summary, the available evidence is currently insufficient to determine the role of this variant in disease. Therefore, it has been classified as a Variant of Uncertain Significance.

Mendelics
Classification: Uncertain significance for Maple syrup urine disease type 1A. Last evaluated: 2019-05-28. Review status: criteria provided, single submitter. Criteria: Mendelics Assertion Criteria 2017. Collection method: clinical testing. Allele origin: unknown.